The following is an entry in ClinVar:

ClinVar aggregate classification (germline): Uncertain significance (1 of 4 stars; one submission).

Conditions:
Coffin-Siris syndrome 6. Identifiers: MedGen C4540499, MONDO:0033492, OMIM 617808.

gnomAD v4.1: 5 of 1,613,454 alleles (0.00031%); highest among the groups gnomAD compares: Middle Eastern, 0.082%; no homozygotes.

Submission:

Laboratorio de Genetica e Diagnostico Molecular, Hospital Israelita Albert Einstein
Classification: Uncertain significance for Coffin-Siris syndrome 6. Last evaluated: 2024-06-08. Review status: criteria provided, single submitter. Criteria: ACMG Guidelines, 2015. Collection method: clinical testing. Allele origin: germline. Affected: yes.
Comment: ACMG classification criteria: PM2 supporting, BP4 supporting

NM_152641.4(ARID2):c.1767T>G (p.Asn589Lys)

Gene: ARID2 (AT-rich interaction domain 2; plus strand). Cytogenetic location: 12q12.
Variant type: single nucleotide variant.
Coding change: c.1767T>G on transcript NM_152641.4 (MANE Select); coding-DNA position 1767, T replaced by G.
Protein change: p.Asn589Lys; replaces asparagine 589 with lysine.
Molecular consequence: missense variant.
Genome position (GRCh38, 1-based): chr12:45,849,631, T>G. VCF-style: chr12-45849631-T-G. GRCh37 (hg19) VCF-style: chr12-46243414-T-G.
Other names: c.1767T>G, p.Asn589Lys (NM_001347839.2); short protein forms N589K.
Identifiers: ClinVar variation 3900988 (VCV003900988.1).